The following is an entry in ClinVar:

ClinVar aggregate classification (germline): Uncertain significance. Review status: criteria provided, multiple submitters, no conflicts (2 of 4 stars). 3 submissions from 3 submitters: Uncertain significance (3). Last evaluated 2025-12-23.

Conditions:
ASPM-related disorder. Also called: ASPM-related condition.
Inborn genetic diseases. Identifiers: MedGen C0950123, MeSH D030342.

gnomAD v4.1: 61 of 1,612,514 alleles (0.0038%); highest among the groups gnomAD compares: South Asian, 0.048%; no homozygotes.

Submissions (3):

Labcorp Genetics (formerly Invitae), Labcorp
Classification: Uncertain significance. Last evaluated: 2025-12-23. Review status: criteria provided, single submitter. Criteria: Invitae Variant Classification Sherloc (09022015). Collection method: clinical testing. Allele origin: germline.
Comment: This sequence change replaces arginine, which is basic and polar, with histidine, which is basic and polar, at codon 2160 of the ASPM protein (p.Arg2160His). This variant is present in population databases (rs539328833, gnomAD 0.04%). This variant has not been reported in the literature in individuals affected with ASPM-related conditions. ClinVar contains an entry for this variant (Variation ID: 3437005). Invitae Evidence Modeling of protein sequence and biophysical properties (such as structural, functional, and spatial information, amino acid conservation, physicochemical variation, residue mobility, and thermodynamic stability) indicates that this missense variant is not expected to disrupt ASPM protein function with a negative predictive value of 80%. In summary, the available evidence is currently insufficient to determine the role of this variant in disease. Therefore, it has been classified as a Variant of Uncertain Significance.

PreventionGenetics, part of Exact Sciences
Classification: Uncertain significance for ASPM-related condition. Last evaluated: 2025-07-03. Review status: criteria provided, single submitter. Criteria: ACMG Guidelines, 2015. Collection method: clinical testing. Allele origin: germline.
Comment: The ASPM c.6479G>A variant is predicted to result in the amino acid substitution p.Arg2160His. To our knowledge, this variant has not been reported in the literature. This variant is reported in 0.042% of alleles in individuals of South Asian descent in gnomAD. At this time, the clinical significance of this variant is uncertain due to the absence of conclusive functional and genetic evidence.

Ambry Genetics
Classification: Uncertain significance for Inborn genetic diseases. Last evaluated: 2024-06-25. Review status: criteria provided, single submitter. Criteria: Ambry Variant Classification Scheme 2023. Collection method: clinical testing. Allele origin: germline.

NM_018136.5(ASPM):c.6479G>A (p.Arg2160His)

Gene: ASPM (assembly factor for spindle microtubules; minus strand). Cytogenetic location: 1q31.3.
Variant type: single nucleotide variant.
Coding change: c.6479G>A on transcript NM_018136.5 (MANE Select); coding-DNA position 6479, G replaced by A.
Protein change: p.Arg2160His; replaces arginine 2160 with histidine.
Molecular consequence: missense variant. On other transcripts: intron variant (1).
Genome position (GRCh38, 1-based): chr1:197,102,772, C>T on the plus strand (G>A on the coding strand, the complement: ASPM is on the minus strand). VCF-style: chr1-197102772-C-T. GRCh37 (hg19) VCF-style: chr1-197071902-C-T.
Other names: c.4066-6608G>A (NM_001206846.2); short protein forms R2160H.
Identifiers: ClinVar variation 3437005 (VCV003437005.3).